The following is an entry in ClinVar:

NM_007294.4(BRCA1):c.2545_2546del (p.Glu849fs)

Gene: BRCA1 (BRCA1 DNA repair associated; minus strand). Cytogenetic location: 17q21.31.
Variant type: Deletion.
Coding change: c.2545_2546del on transcript NM_007294.4 (MANE Select); coding-DNA positions 2545 to 2546, 2 bases deleted (GA; older notation c.2545_2546delGA).
Protein change: p.Glu849fs; shifts the reading frame from glutamic acid 849.
Molecular consequence: frameshift variant. On other transcripts: intron variant (137).
Genome position (GRCh38, 1-based): chr17:43,092,985-43,092,986, TC deleted on the plus strand (GA on the coding strand, the reverse complement: BRCA1 is on the minus strand); deleting any 2 consecutive bases within chr17:43,092,985-43,092,987 gives the same sequence; the c. name uses the placement nearest the transcript's 3' end. VCF-style (leftmost placement, unchanged base first): chr17-43092984-TTC-T. GRCh37 (hg19) VCF-style: chr17-41245001-TTC-T.
Other names: c.2404_2405del, p.Glu802fs (NM_001407728.1, NM_001407729.1, NM_001407850.1 and 29 more transcripts); c.2401_2402del, p.Glu801fs (NM_001407740.1, NM_001407741.1, NM_001407742.1 and 20 more transcripts); c.2341_2342del, p.Glu781fs (NM_001407874.1, NM_001407875.1); c.2335_2336del, p.Glu779fs (NM_001407889.1, NM_001407900.1, NM_001407902.1 and 13 more transcripts); c.2332_2333del, p.Glu778fs (NM_001407894.1, NM_001407895.1, NM_001407896.1 and 9 more transcripts); c.2422_2423del, p.Glu808fs (NM_001407919.1, NM_001407937.1, NM_001407938.1 and 19 more transcripts); c.2281_2282del, p.Glu761fs (NM_001407920.1, NM_001407921.1, NM_001407922.1 and 9 more transcripts); c.2278_2279del, p.Glu760fs (NM_001407936.1, NM_001407930.1, NM_001407931.1 and 2 more transcripts); and 41 more; short protein forms E553fs, E681fs, E721fs, E722fs, E737fs, E738fs, E760fs, E761fs.
Identifiers: ClinVar variation 4071387 (VCV004071387.1).
Genomic context (GRCh38, chr17:43,092,984, plus strand): 5'-AAATGACTGGCGCTTTGAAACCTTGAATGTATTCTGCAAATACTGAGCATCAAGTTCACT[TTC>T]TTCCATTTCTATGCTTGTTTCCCGACTGTGGTTAACTTCATGTCCCAATGGATACTTAAA-3'

ClinVar aggregate classification (germline): Pathogenic (1 of 4 stars; one submission).

Conditions:
Breast-ovarian cancer, familial, susceptibility to, 1 (BROVCA1). Also called: BRCA1 Hereditary Breast and Ovarian Cancer; OVARIAN CANCER, SUSCEPTIBILITY TO. Identifiers: Orphanet 145, MedGen C2676676, MONDO:0011450, OMIM 604370. Disease mechanism: loss of function.

Submission:

Myriad Genetics, Inc.
Classification: Pathogenic for Breast-ovarian cancer, familial, susceptibility to, 1. Last evaluated: 2025-05-07. Review status: criteria provided, single submitter. Criteria: Myriad Autosomal Dominant, Autosomal Recessive and X-Linked Classification Criteria (2023). Collection method: clinical testing. Allele origin: unknown.
Comment: This variant is considered pathogenic. This variant creates a frameshift predicted to result in premature protein truncation.